The following is an entry in ClinVar:

NM_033419.5(PGAP3):c.229G>A (p.Val77Ile)

Gene: PGAP3 (post-GPI attachment to proteins phospholipase 3; minus strand). Cytogenetic location: 17q12.
Variant type: single nucleotide variant.
Coding change: c.229G>A on transcript NM_033419.5 (MANE Select); coding-DNA position 229, G replaced by A.
Protein change: p.Val77Ile; replaces valine 77 with isoleucine.
Molecular consequence: missense variant.
Genome position (GRCh38, 1-based): chr17:39,685,972, C>T on the plus strand (G>A on the coding strand, the complement: PGAP3 is on the minus strand). VCF-style: chr17-39685972-C-T. GRCh37 (hg19) VCF-style: chr17-37842225-C-T.
Other names: c.229G>A, p.Val77Ile (NM_001291726.2, NM_001291728.2, NM_001291730.2 and 2 more transcripts); short protein forms V77I.
Identifiers: ClinVar variation 1909447 (VCV001909447.4), dbSNP rs367729979, ClinGen allele CA8533428.

ClinVar aggregate classification (germline): Uncertain significance (1 of 4 stars; one submission).

Allele frequency attached by ClinVar (database versions not stated): gnomAD 0.00001; gnomAD exomes 0.00002; ExAC 0.00007; ESP Exome Variant Server 0.00008.
gnomAD v4.1: 28 of 1,613,258 alleles (0.0017%); highest among the groups gnomAD compares: East Asian, 0.0022%; no homozygotes.

Submission:

Labcorp Genetics (formerly Invitae), Labcorp
Classification: Uncertain significance. Last evaluated: 2025-12-08. Review status: criteria provided, single submitter. Criteria: Invitae Variant Classification Sherloc (09022015). Collection method: clinical testing. Allele origin: germline.
Comment: This sequence change replaces valine, which is neutral and non-polar, with isoleucine, which is neutral and non-polar, at codon 77 of the PGAP3 protein (p.Val77Ile). This variant is present in population databases (rs367729979, gnomAD 0.01%). This variant has not been reported in the literature in individuals affected with PGAP3-related conditions. ClinVar contains an entry for this variant (Variation ID: 1909447). Invitae Evidence Modeling of protein sequence and biophysical properties (such as structural, functional, and spatial information, amino acid conservation, physicochemical variation, residue mobility, and thermodynamic stability) has been performed for this missense variant. However, the output from this modeling did not meet the statistical confidence thresholds required to predict the impact of this variant on PGAP3 protein function. In summary, the available evidence is currently insufficient to determine the role of this variant in disease. Therefore, it has been classified as a Variant of Uncertain Significance.